The following is an entry in ClinVar:

NM_001267550.2(TTN):c.42415+13A>G

Gene: TTN (titin; minus strand). Cytogenetic location: 2q31.2.
Variant type: single nucleotide variant.
Coding change: c.42415+13A>G on transcript NM_001267550.2 (MANE Select); 13 bases into the intron after coding-DNA position 42415, A replaced by G.
Molecular consequence: intron variant.
Genome position (GRCh38, 1-based): chr2:178,634,353, T>C on the plus strand (A>G on the coding strand, the complement: TTN is on the minus strand). VCF-style: chr2-178634353-T-C. GRCh37 (hg19) VCF-style: chr2-179499080-T-C.
Other names: c.15220+13A>G (NM_003319.4); c.15796+13A>G (NM_133437.4); c.15595+13A>G (NM_133432.3); c.34711+13A>G (NM_133378.4); c.37492+13A>G (NM_001256850.1).
Identifiers: ClinVar variation 4847114 (VCV004847114.1).

ClinVar aggregate classification (germline): Likely benign (1 of 4 stars; one submission).

Submission:

Women's Health and Genetics/Laboratory Corporation of America, LabCorp
Classification: Likely benign. Last evaluated: 2026-03-18. Review status: criteria provided, single submitter. Criteria: LabCorp Variant Classification Summary - May 2015. Collection method: clinical testing. Allele origin: germline.
Comment: Variant summary: TTN c.34711+13A>G alters a non-conserved nucleotide located at a position not widely known to affect splicing. Consensus agreement among computation tools predict no significant impact on normal splicing. However, these predictions have yet to be confirmed by functional studies. The variant was absent in 231202 control chromosomes. The available data on variant occurrences in the general population are insufficient to allow any conclusion about variant significance. To our knowledge, no occurrence of c.34711+13A>G in individuals affected with TTN-related conditions and no experimental evidence demonstrating its impact on protein function have been reported. No submitters have cited clinical-significance assessments for this variant to ClinVar. Based on the evidence outlined above, the variant was classified as likely benign.